The following is an entry in ClinVar:

ClinVar aggregate classification (germline): Likely benign. Review status: criteria provided, multiple submitters, no conflicts (2 of 4 stars). 3 submissions from 3 submitters: Likely benign (3). Last evaluated 2025-09-07.

Conditions:
Arrhythmogenic right ventricular dysplasia 5. Also called: Arrhythmogenic Right Ventricular Dysplasia/Cardiomyopathy 5; ARRHYTHMOGENIC RIGHT VENTRICULAR DYSPLASIA, FAMILIAL, 5. Identifiers: MedGen C1858379, MONDO:0011459, OMIM 604400.
Cardiomyopathy (CMYO). Also called: Cardiomyopathies. Identifiers: Orphanet 167848, MedGen C0878544, MONDO:0004994, HP:0001638. Inheritance: Various modes of inheritance.

Allele frequency attached by ClinVar (database versions not stated): gnomAD exomes below 0.00001 and 0.00001; ExAC 0.00002.
gnomAD v4.1: 3 of 1,613,758 alleles (0.00019%); highest among the groups gnomAD compares: Non-Finnish European, 0.00025%; no homozygotes.

Submissions (3):

Labcorp Genetics (formerly Invitae), Labcorp
Classification: Likely benign for Arrhythmogenic right ventricular dysplasia 5. Last evaluated: 2025-09-07. Review status: criteria provided, single submitter. Criteria: Invitae Variant Classification Sherloc (09022015). Collection method: clinical testing. Allele origin: germline.

All of Us Research Program, National Institutes of Health
Classification: Likely benign for Arrhythmogenic right ventricular dysplasia 5. Last evaluated: 2024-06-09. Review status: criteria provided, single submitter. Criteria: ACMG Guidelines, 2015. Collection method: clinical testing. Allele origin: germline. Inheritance: Autosomal dominant inheritance. Observed: 2 variant alleles, 2 heterozygotes.
Comment: This study involves interpretation of variants in research participants for the purpose of population health screening. Participant phenotype was not available at the time of variant classification. Additional details can be found in publication PMID: 35346344, PMCID: PMC8962531

Color Diagnostics, LLC DBA Color Health
Classification: Likely benign for Cardiomyopathy. Last evaluated: 2019-07-27. Review status: criteria provided, single submitter. Criteria: ACMG Guidelines, 2015. Collection method: clinical testing. Allele origin: germline.

NM_024334.3(TMEM43):c.168C>T (p.Arg56=)

Gene: TMEM43 (transmembrane protein 43; plus strand). Cytogenetic location: 3p25.1.
Variant type: single nucleotide variant.
Coding change: c.168C>T on transcript NM_024334.3 (MANE Select); coding-DNA position 168, C replaced by T.
Protein change: p.Arg56=; no amino-acid change (arginine 56 retained).
Molecular consequence: synonymous variant.
Genome position (GRCh38, 1-based): chr3:14,130,827, C>T. VCF-style: chr3-14130827-C-T. GRCh37 (hg19) VCF-style: chr3-14172327-C-T.
Identifiers: ClinVar variation 923580 (VCV000923580.12), dbSNP rs768752495, ClinGen allele CA052055.